The following is an entry in ClinVar:

ClinVar aggregate classification (germline): Pathogenic (1 of 4 stars; one submission).

Submission:

Labcorp Genetics (formerly Invitae), Labcorp
Classification: Pathogenic. Last evaluated: 2021-12-07. Review status: criteria provided, single submitter. Criteria: Invitae Variant Classification Sherloc (09022015). Collection method: clinical testing. Allele origin: germline.
Comment: This premature translational stop signal has been observed in individual(s) with X-linked hypophosphatemia (Invitae). For these reasons, this variant has been classified as Pathogenic. This variant disrupts a region of the PHEX protein in which other variant(s) (p.Arg702*) have been determined to be pathogenic (PMID: 9097956, 9768674, 21902834, 23079138, 29505567). This suggests that this is a clinically significant region of the protein, and that variants that disrupt it are likely to be disease-causing. ClinVar contains an entry for this variant (Variation ID: 937153). This variant is not present in population databases (gnomAD no frequency). This sequence change creates a premature translational stop signal (p.Ala701Profs*39) in the PHEX gene. While this is not anticipated to result in nonsense mediated decay, it is expected to disrupt the last 49 amino acid(s) of the PHEX protein.

Literature cited by the submitters: PubMed 9097956; PubMed 9768674; PubMed 21902834; PubMed 23079138; PubMed 29505567.

NM_000444.6(PHEX):c.2100del (p.Ala701fs)

Genes: PHEX (phosphate regulating endopeptidase X-linked; plus strand), PTCHD1-AS (PTCHD1 and PHEX antisense RNA; minus strand). Cytogenetic location: Xp22.11.
Variant type: Deletion.
Coding change: c.2100del on transcript NM_000444.6 (MANE Select); coding-DNA position 2100, one base deleted (T; older notation c.2100delT).
Protein change: p.Ala701fs; shifts the reading frame from alanine 701.
Molecular consequence: frameshift variant. On other transcripts: intron variant (1).
Genome position (GRCh38, 1-based): chrX:22,245,362, T deleted. VCF-style (leftmost placement, unchanged base first): chrX-22245361-CT-C. GRCh37 (hg19) VCF-style: chrX-22263478-CT-C.
Other names: c.2071-2489del (NM_001282754.2); short protein forms A701fs.
Identifiers: ClinVar variation 937153 (VCV000937153.7), dbSNP rs1936360966, ClinGen allele CA1139667319.
Genomic context (GRCh38, chrX:22,245,361, plus strand): 5'-AGCTCATTTGTTGGGATGCTTTTCTCTTCTAGGTGAGGTGCAATTCCTACAGACCAGAAG[CT>C]GCCCGAGAACAAGTCCAAATTGGTGCTCACAGTCCCCCTCAGTTTAGGTAAATGGGCAAA-3'